The following is an entry in ClinVar:

NM_000155.4(GALT):c.197C>T (p.Pro66Leu)

Genes: GALT (galactose-1-phosphate uridylyltransferase; plus strand), LOC130001683 (ATAC-STARR-seq lymphoblastoid active region 28314; plus strand). Cytogenetic location: 9p13.3.
Variant type: single nucleotide variant.
Coding change: c.197C>T on transcript NM_000155.4 (MANE Select); coding-DNA position 197, C replaced by T.
Protein change: p.Pro66Leu; replaces proline 66 with leucine.
Molecular consequence: missense variant. On other transcripts: 5 prime UTR variant (1).
Genome position (GRCh38, 1-based): chr9:34,647,203, C>T. VCF-style: chr9-34647203-C-T. GRCh37 (hg19) VCF-style: chr9-34647200-C-T.
Other names: p.Pro66Leu; c.-6C>T (NM_001258332.2).
Identifiers: ClinVar variation 25136 (VCV000025136.18), dbSNP rs111033656, ClinGen allele CA259337.

ClinVar aggregate classification (germline): Uncertain significance. Review status: criteria provided, multiple submitters, no conflicts (2 of 4 stars). 6 submissions from 6 submitters: Uncertain significance (4). 2 of the submissions do not count toward it. Last evaluated 2025-09-22.

Conditions:
GALT-related disorder. Also called: GALT-related condition.
Galactosemia. Also called: Galactose intolerance. Identifiers: Orphanet 352, MedGen C0016952, MONDO:0018116, HP:0004919. Disease mechanism: loss of function.
Deficiency of UDPglucose-hexose-1-phosphate uridylyltransferase. Also called: GALACTOSE-1-PHOSPHATE URIDYLYLTRANSFERASE DEFICIENCY; GALT deficiency; Galactosemia, classic; Transferase Deficiency Galactosemia; GALACTOSEMIA I. Identifiers: Orphanet 352, Orphanet 79239, MedGen C0268151, MONDO:0009258, OMIM 230400.

Allele frequency attached by ClinVar (database versions not stated): gnomAD 0.00003 and 0.00004; gnomAD exomes 0.00004 and 0.00003; TOPMed 0.00003; ESP Exome Variant Server 0.00023; ExAC 0.00006.
gnomAD v4.1: 62 of 1,614,060 alleles (0.0038%); highest among the groups gnomAD compares: Non-Finnish European, 0.0049%; no homozygotes.

Submissions (7):

Women's Health and Genetics/Laboratory Corporation of America, LabCorp
Classification: Uncertain significance. Last evaluated: 2025-09-22. Review status: criteria provided, single submitter. Criteria: LabCorp Variant Classification Summary - May 2015. Collection method: clinical testing. Allele origin: germline.
Comment: Variant summary: GALT c.197C>T (p.Pro66Leu) results in a non-conservative amino acid change located in the Galactose-1-phosphate uridyl transferase, N-terminal domain of the encoded protein sequence. Algorithms developed to predict the effect of missense changes on protein structure and function all suggest that this variant is likely to be disruptive. The variant allele was found at a frequency of 3.2e-05 in 251350 control chromosomes. The available data on variant occurrences in the general population are insufficient to allow any conclusion about variant significance. c.197C>T has not been observed in individual(s) affected with Galactosemia. To our knowledge, no experimental evidence demonstrating an impact on protein function has been reported. The following publications have been ascertained in the context of this evaluation (PMID: 15633893, 27005423, 25087612). ClinVar contains an entry for this variant (Variation ID: 25136). Based on the evidence outlined above, the variant was classified as uncertain significance.

Labcorp Genetics (formerly Invitae), Labcorp
Classification: Uncertain significance for Deficiency of UDPglucose-hexose-1-phosphate uridylyltransferase. Last evaluated: 2023-11-03. Review status: criteria provided, single submitter. Criteria: Invitae Variant Classification Sherloc (09022015). Collection method: clinical testing. Allele origin: germline.
Comment: This sequence change replaces proline, which is neutral and non-polar, with leucine, which is neutral and non-polar, at codon 66 of the GALT protein (p.Pro66Leu). This variant is present in population databases (rs111033656, gnomAD 0.009%). This missense change has been observed in individual(s) with a positive newborn screening result for GALT-related disease (PMID: 25087612; Invitae). ClinVar contains an entry for this variant (Variation ID: 25136). Advanced modeling of protein sequence and biophysical properties (such as structural, functional, and spatial information, amino acid conservation, physicochemical variation, residue mobility, and thermodynamic stability) performed at Invitae indicates that this missense variant is expected to disrupt GALT protein function with a positive predictive value of 95%. In summary, the available evidence is currently insufficient to determine the role of this variant in disease. Therefore, it has been classified as a Variant of Uncertain Significance.

Mayo Clinic Laboratories, Mayo Clinic
Classification: Uncertain significance. Last evaluated: 2022-11-10. Review status: criteria provided, single submitter. Criteria: ACMG Guidelines, 2015. Collection method: clinical testing. Allele origin: germline. Observed: 1 variant allele.
Comment: PP3, PM2

Myriad Genetics, Inc.
Classification: Uncertain significance for Deficiency of UDPglucose-hexose-1-phosphate uridylyltransferase. Last evaluated: 2021-10-01. Review status: criteria provided, single submitter. Criteria: Myriad Women's Health Autosomal Recessive and X-Linked Classification Criteria (2021). Collection method: clinical testing. Allele origin: unknown.
Comment: NM_000155.3(GALT):c.197C>T(P66L) is a missense variant classified as a variant of uncertain significance in the context of galactosemia. P66L has not been observed in cases with relevant disease. Functional assessments of this variant are available in the literature (PMID: 31267113). P66L has been observed in population frequency databases (gnomAD: NFE 0.01%). In summary, there is insufficient evidence to classify NM_000155.3(GALT):c.197C>T(P66L) as pathogenic or benign. Please note: this variant was assessed in the context of healthy population screening.

PreventionGenetics, part of Exact Sciences
Classification: Uncertain significance for GALT-related condition. Last evaluated: 2024-03-08. Review status: no assertion criteria provided. Collection method: clinical testing. Allele origin: germline. Not counted in ClinVar's aggregate classification.
Comment: The GALT c.197C>T variant is predicted to result in the amino acid substitution p.Pro66Leu. This variant has been reported in the compound heterozygous state in a patient with galactosemia and in at least one individual as part of newborn screening (Shin et al. 2004. PubMed ID: 15633893, Tabor et al. 2014. PubMed ID: 25087612). This variant is reported in 0.0070% of alleles in individuals of European (Non-Finnish) descent in gnomAD. Although we suspect that this variant may be pathogenic, at this time, the clinical significance of this variant is uncertain due to the absence of conclusive functional and genetic evidence.

Natera, Inc.
Classification: Uncertain significance for Galactosemia. Last evaluated: 2020-09-16. Review status: no assertion criteria provided. Collection method: clinical testing. Allele origin: germline. Not counted in ClinVar's aggregate classification.

Seelig Lab, University of Washington
No classification provided (evidence only). Review status: no classification provided. Collection method: in vitro. Allele origin: not applicable. Functional consequence: effect on translation. Not counted in ClinVar's aggregate classification.
ClinVar note: "not provided" was previously submitted as the classification for the variant. However, the classification appeared to be based only on an observation of functional data so it was converted to no classification on 2025-07-30.

Literature cited by the submitters: PubMed 15633893 (cited by Women's Health and Genetics/Laboratory Corporation of America, LabCorp and Mayo Clinic Laboratories, Mayo Clinic); PubMed 25087612 (cited by 3 submitters); PubMed 27005423 (cited by Women's Health and Genetics/Laboratory Corporation of America, LabCorp and Mayo Clinic Laboratories, Mayo Clinic); PubMed 31267113 (cited by Mayo Clinic Laboratories, Mayo Clinic and Myriad Genetics, Inc.); PubMed 34426522 (cited by Mayo Clinic Laboratories, Mayo Clinic); PubMed 35432193 (cited by Mayo Clinic Laboratories, Mayo Clinic).